The following is an entry in ClinVar:

NM_006493.4(CLN5):c.486C>T (p.Gly162=)

Gene: CLN5 (CLN5 lysosomal BMP synthase; plus strand). Cytogenetic location: 13q22.3.
Variant type: single nucleotide variant.
Coding change: c.486C>T on transcript NM_006493.4 (MANE Select); coding-DNA position 486, C replaced by T.
Protein change: p.Gly162=; no amino-acid change (glycine 162 retained).
Molecular consequence: synonymous variant.
Genome position (GRCh38, 1-based): chr13:76,996,048, C>T. VCF-style: chr13-76996048-C-T. GRCh37 (hg19) VCF-style: chr13-77570183-C-T.
Other names: c.633C>T (LRG_692t1); c.486C>T, p.Gly162= (NM_001366624.2).
Identifiers: ClinVar variation 580614 (VCV000580614.13), dbSNP rs769007858, ClinGen allele CA7007208.

ClinVar aggregate classification (germline): Conflicting classifications of pathogenicity. Review status: criteria provided, conflicting classifications (1 of 4 stars). 4 submissions from 4 submitters: Uncertain significance (1); Likely benign (2). 1 of the submissions does not count toward it. Last evaluated 2025-10-19.

Conditions:
Neuronal ceroid lipofuscinosis. Also called: Neuronal Ceroid Lipofuscinoses. Identifiers: Orphanet 216, Orphanet 79263, MedGen C0027877, MONDO:0016295. Disease mechanism: loss of function.
CLN5-related disorder. Also called: CLN5-related condition.

Allele frequency attached by ClinVar (database versions not stated): ExAC 0.00001; gnomAD exomes 0.00002; gnomAD 0.00003 and 0.00004; TOPMed 0.00005.
gnomAD v4.1: 37 of 1,614,038 alleles (0.0023%); highest among the groups gnomAD compares: African/African-American, 0.012%; no homozygotes.

Submissions (4):

Labcorp Genetics (formerly Invitae), Labcorp
Classification: Likely benign for Neuronal ceroid lipofuscinosis. Last evaluated: 2025-10-19. Review status: criteria provided, single submitter. Criteria: Invitae Variant Classification Sherloc (09022015). Collection method: clinical testing. Allele origin: germline.

Blueprint Genetics
Classification: Likely benign. Last evaluated: 2024-08-16. Review status: criteria provided, single submitter. Criteria: ACMG Guidelines, 2015. Collection method: clinical testing. Allele origin: germline.

PreventionGenetics, part of Exact Sciences
Classification: Uncertain significance for CLN5-related condition. Last evaluated: 2022-12-05. Review status: criteria provided, single submitter. Criteria: ACMG Guidelines, 2015. Collection method: clinical testing. Allele origin: germline.
Comment: The CLN5 c.633C>T variant is not predicted to result in an amino acid change (p.=). To our knowledge, this variant has not been reported in the literature. This variant is reported in 0.0058% of alleles in individuals of Latino descent in gnomAD. Although this variant is silent and is not predicted to change amino acid sequence, splicing prediction software predicts low chance of creating new splice site. This variant is reported in ClinVar as variant of uncertain significance. At this time, the clinical significance of this variant is uncertain due to the absence of conclusive functional and genetic evidence.

Natera, Inc.
Classification: Uncertain significance for Neuronal ceroid lipofuscinosis. Last evaluated: 2020-07-13. Review status: no assertion criteria provided. Collection method: clinical testing. Allele origin: germline. Not counted in ClinVar's aggregate classification.